The following is an entry in ClinVar:

ClinVar aggregate classification (germline): Uncertain significance. Review status: criteria provided, multiple submitters, no conflicts (2 of 4 stars). 2 submissions from 2 submitters: Uncertain significance (2). Last evaluated 2024-06-24.

Conditions:
Usher syndrome type 1C. Also called: USHER SYNDROME, TYPE I, ACADIAN VARIETY. Identifiers: Orphanet 231169, Orphanet 886, MedGen C1848604, MONDO:0010171, OMIM 276904.

Allele frequency attached by ClinVar (database versions not stated): gnomAD exomes 0.00001.
gnomAD v4.1: 6 of 1,614,170 alleles (0.00037%); highest among the groups gnomAD compares: East Asian, 0.013%; no homozygotes.

Submissions (2):

Labcorp Genetics (formerly Invitae), Labcorp
Classification: Uncertain significance. Last evaluated: 2024-06-24. Review status: criteria provided, single submitter. Criteria: Invitae Variant Classification Sherloc (09022015). Collection method: clinical testing. Allele origin: germline.
Comment: This sequence change replaces tyrosine, which is neutral and polar, with aspartic acid, which is acidic and polar, at codon 513 of the USH1C protein (p.Tyr513Asp). This variant is not present in population databases (gnomAD no frequency). This variant has not been reported in the literature in individuals affected with USH1C-related conditions. ClinVar contains an entry for this variant (Variation ID: 877521). An algorithm developed to predict the effect of missense changes on protein structure and function (PolyPhen-2) suggests that this variant is likely to be tolerated. In summary, the available evidence is currently insufficient to determine the role of this variant in disease. Therefore, it has been classified as a Variant of Uncertain Significance.

Illumina Laboratory Services, Illumina
Classification: Uncertain significance for Usher syndrome type 1C. Last evaluated: 2017-07-21. Review status: criteria provided, single submitter. Criteria: ICSL Variant Classification Criteria 13 December 2019. Collection method: clinical testing. Allele origin: germline.
Comment: This variant was observed as part of a predisposition screen in an ostensibly healthy population. A literature search was performed for the gene, cDNA change, and amino acid change (where applicable). Publications were found based on this search. However, the evidence from the literature, in combination with allele frequency data from public databases where available, was not sufficient to rule this variant in or out of causing disease. Therefore, this variant is classified as a variant of unknown significance.

Literature cited by the submitters: PubMed 24618850 (cited by Illumina Laboratory Services, Illumina).

NM_153676.4(USH1C):c.2437T>G (p.Tyr813Asp)

Gene: USH1C (USH1 protein network component harmonin; minus strand). Cytogenetic location: 11p15.1.
Variant type: single nucleotide variant.
Coding change: c.2437T>G on transcript NM_153676.4 (MANE Select); coding-DNA position 2437, T replaced by G.
Protein change: p.Tyr813Asp; replaces tyrosine 813 with aspartic acid.
Molecular consequence: missense variant. On other transcripts: non-coding transcript variant (1).
Genome position (GRCh38, 1-based): chr11:17,498,215, A>C on the plus strand (T>G on the coding strand, the complement: USH1C is on the minus strand). VCF-style: chr11-17498215-A-C. GRCh37 (hg19) VCF-style: chr11-17519762-A-C.
Other names: c.1480T>G, p.Tyr494Asp (NM_001297764.2); c.1537T>G, p.Tyr513Asp (NM_005709.4); short protein forms Y494D, Y513D, Y813D.
Identifiers: ClinVar variation 877521 (VCV000877521.6), dbSNP rs1849309216, ClinGen allele CA379800924.
Genomic context (GRCh38, chr11:17,498,215, plus strand): 5'-TTCTTACCCCGCCCTGATTCCAGGCCTTCTGCAGGGCAGCCTCAGCCTCAGCCAGGGTGT[A>C]GTCTGTCACAATCTTGCCGTTGATTGCCATGATCTCGTCCCCTTTCACAATGCCACCTGC-3'
Protein context (NP_710142.1, residues 803-823): MAINGKIVTD[Tyr813Asp]TLAEAEAALQ